The following is an entry in ClinVar:

NM_007289.4(MME):c.238T>C (p.Cys80Arg)

Gene: MME (membrane metalloendopeptidase; plus strand). Cytogenetic location: 3q25.2.
Variant type: single nucleotide variant.
Coding change: c.238T>C on transcript NM_007289.4 (MANE Select); coding-DNA position 238, T replaced by C.
Protein change: p.Cys80Arg; replaces cysteine 80 with arginine.
Molecular consequence: missense variant.
Genome position (GRCh38, 1-based): chr3:155,115,035, T>C. VCF-style: chr3-155115035-T-C. GRCh37 (hg19) VCF-style: chr3-154832824-T-C.
Other names: c.238T>C, p.Cys80Arg (NM_000902.5, NM_001354642.2, NM_001354643.1 and 2 more transcripts); short protein forms C80R.
Identifiers: ClinVar variation 3237366 (VCV003237366.12), dbSNP rs1158932542.

ClinVar aggregate classification (germline): Conflicting classifications of pathogenicity. Review status: criteria provided, conflicting classifications (1 of 4 stars). 2 submissions from 2 submitters: Likely pathogenic (1); Uncertain significance (1). Last evaluated 2025-04-01.

Conditions:
Charcot-Marie-Tooth disease axonal type 2T. Identifiers: Orphanet 443950, MedGen C4015635, OMIM 617017, MONDO:0014866.

Allele frequency attached by ClinVar (database versions not stated): gnomAD exomes below 0.00001; gnomAD 0.00001; TOPMed 0.00002.

Submissions (2):

CeGaT Center for Human Genetics Tuebingen
Classification: Uncertain significance. Last evaluated: 2025-04-01. Review status: criteria provided, single submitter. Criteria: CeGaT Center For Human Genetics Tuebingen Variant Classification Criteria Version 2. Collection method: clinical testing. Allele origin: germline. Affected: yes. Observed: 1 variant allele.
Comment: MME: PM2, PP3

Department of Neurology, Shenzhen Hospital, Southern Medical University
Classification: Likely pathogenic for Charcot-Marie-Tooth disease axonal type 2T. Last evaluated: 2024-05-28. Review status: criteria provided, single submitter. Criteria: ACMG Guidelines, 2015. Collection method: provider interpretation. Allele origin: inherited. Inheritance: Autosomal recessive inheritance. Affected: yes. Observed: 1 compound heterozygote.
Comment: This variant was at extremely low frequency (＜0.1%) in gnomAD database and was predicted to be pathogenic by the SIFT and CADD software. The variant substitution occurred at an evolutionary highly conserved amino acid residue where another missense variant was reported as pathogenic before. This variant was confirmed in trans with variant c.1773T>A (p.D591E) in MME among a Chinese late onset axonal neuropathy family. Sanger sequencing confirmed the co-segregation of the variant with the disease phenotype in the family.According to the ACMG standards and guidelines, this variant were classified as likely pathogenic